The following is an entry in ClinVar:

ClinVar aggregate classification (germline): Uncertain significance (1 of 4 stars; one submission).

Submission:

GeneDx
Classification: Uncertain significance. Last evaluated: 2022-10-12. Review status: criteria provided, single submitter. Criteria: GeneDx Variant Classification Process June 2021. Collection method: clinical testing. Allele origin: germline. Affected: yes.
Comment: Not observed at significant frequency in large population cohorts (gnomAD); In silico analysis supports that this missense variant does not alter protein structure/function; Has not been previously published as pathogenic or benign to our knowledge

NM_003709.4(KLF7):c.620G>T (p.Gly207Val)

Gene: KLF7 (KLF transcription factor 7; minus strand). Cytogenetic location: 2q33.3.
Variant type: single nucleotide variant.
Coding change: c.620G>T on transcript NM_003709.4 (MANE Select); coding-DNA position 620, G replaced by T.
Protein change: p.Gly207Val; replaces glycine 207 with valine.
Molecular consequence: missense variant. On other transcripts: intron variant (1).
Genome position (GRCh38, 1-based): chr2:207,123,887, C>A on the plus strand (G>T on the coding strand, the complement: KLF7 is on the minus strand). VCF-style: chr2-207123887-C-A. GRCh37 (hg19) VCF-style: chr2-207988611-C-A.
Other names: c.521G>T, p.Gly174Val (NM_001270943.2); c.536G>T, p.Gly179Val (NM_001270944.2); c.531+89G>T (NM_001270942.1); short protein forms G174V, G179V, G207V.
Identifiers: ClinVar variation 2499350 (VCV002499350.1), dbSNP rs2469207484, ClinGen allele CA350157056.